The following is an entry in ClinVar:

NM_014844.5(TECPR2):c.2280C>T (p.His760=)

Gene: TECPR2 (tectonin beta-propeller repeat containing 2; plus strand). Cytogenetic location: 14q32.31.
Variant type: single nucleotide variant.
Coding change: c.2280C>T on transcript NM_014844.5 (MANE Select); coding-DNA position 2280, C replaced by T.
Protein change: p.His760=; no amino-acid change (histidine 760 retained).
Molecular consequence: synonymous variant.
Genome position (GRCh38, 1-based): chr14:102,435,097, C>T. VCF-style: chr14-102435097-C-T. GRCh37 (hg19) VCF-style: chr14-102901434-C-T.
Other names: c.2280C>T, p.His760= (NM_001172631.3).
Identifiers: ClinVar variation 696171 (VCV000696171.16), dbSNP rs61744796, ClinGen allele CA7357882.
Genomic context (GRCh38, chr14:102,435,097, plus strand): 5'-TGAGCAGCCTCCACGGGATCAGACATTGACGTCCAGCGATGAGGAGGACATCTATGCCCA[C>T]GGGCTTCCTTCTTCATCCTCAGAGACGAGTGTGACAGAGCTCGGACCTAGTTGCTCCCAG-3'
Protein context (NP_055659.2, residues 750-770): TSSDEEDIYA[His760=]GLPSSSSETS

ClinVar aggregate classification (germline): Benign/Likely benign. Review status: criteria provided, multiple submitters, no conflicts (2 of 4 stars). 3 submissions from 3 submitters: Benign (1); Likely benign (1). 1 of the submissions does not count toward it. Last evaluated 2026-08-01.

Conditions:
Hereditary spastic paraplegia 49 (HSAN9). Also called: TECPR2-Related Hereditary Sensory and Autonomic Neuropathy with Intellectual Disability; Spastic paraplegia 49, autosomal recessive; NEUROPATHY, HEREDITARY SENSORY AND AUTONOMIC, TYPE IX, WITH DEVELOPMENTAL DELAY. Identifiers: Orphanet 320385, MedGen C5190860, MONDO:0014016, OMIM 615031.

Allele frequency attached by ClinVar (database versions not stated): ESP Exome Variant Server 0.00008; gnomAD exomes 0.00008 and 0.00032; 1000 Genomes Project 30x 0.00016; gnomAD 0.00019 and 0.00021; 1000 Genomes Project 0.00020; ExAC 0.00033; TOPMed 0.00037.
gnomAD v4.1: 144 of 1,613,874 alleles (0.0089%); highest among the groups gnomAD compares: Admixed American, 0.14%; no homozygotes.

Submissions (3):

CeGaT Center for Human Genetics Tuebingen
Classification: Likely benign. Last evaluated: 2026-08-01. Review status: criteria provided, single submitter. Criteria: CeGaT Center For Human Genetics Tuebingen Variant Classification Criteria Version 2. Collection method: clinical testing. Allele origin: germline. Affected: yes. Observed: 2 variant alleles.
Comment: TECPR2: BP4, BP7

Labcorp Genetics (formerly Invitae), Labcorp
Classification: Benign for Hereditary spastic paraplegia 49. Last evaluated: 2026-01-16. Review status: criteria provided, single submitter. Criteria: Invitae Variant Classification Sherloc (09022015). Collection method: clinical testing. Allele origin: germline.

Natera, Inc.
Classification: Likely benign for Autosomal recessive spastic paraplegia type 49. Last evaluated: 2019-10-23. Review status: no assertion criteria provided. Collection method: clinical testing. Allele origin: germline. Not counted in ClinVar's aggregate classification.